The following is an entry in ClinVar:

NM_001110556.2(FLNA):c.1039G>A (p.Val347Ile)

Gene: FLNA (filamin A; minus strand). Cytogenetic location: Xq28.
Variant type: single nucleotide variant.
Coding change: c.1039G>A on transcript NM_001110556.2 (MANE Select); coding-DNA position 1039, G replaced by A.
Protein change: p.Val347Ile; replaces valine 347 with isoleucine.
Molecular consequence: missense variant.
Genome position (GRCh38, 1-based): chrX:154,366,588, C>T on the plus strand (G>A on the coding strand, the complement: FLNA is on the minus strand). VCF-style: chrX-154366588-C-T. GRCh37 (hg19) VCF-style: chrX-153594956-C-T.
Other names: c.1039G>A, p.Val347Ile (NM_001456.4); short protein forms V347I.
Identifiers: ClinVar variation 1325474 (VCV001325474.5), dbSNP rs782234539, ClinGen allele CA10561293.

ClinVar aggregate classification (germline): Conflicting classifications of pathogenicity. Review status: criteria provided, conflicting classifications (1 of 4 stars). 2 submissions from 2 submitters: Uncertain significance (1); Benign (1). Last evaluated 2023-08-08.

Conditions:
Heterotopia, periventricular, X-linked dominant (PVNH1). Also called: PERIVENTRICULAR NODULAR HETEROTOPIA 1; X-linked periventricular heterotopia; PERIVENTRICULAR NODULAR HETEROTOPIA 4; HETEROTOPIA, PERIVENTRICULAR, 1. Identifiers: Orphanet 2149, Orphanet 82004, MedGen C1848213, MONDO:0010233, OMIM 300049.
Oto-palato-digital syndrome, type II (OPD2). Also called: OPD II SYNDROME; Otopalatodigital Syndrome, Type II; Otopalatodigital Syndrome Type 2 (FLNA-OPD2); FACIOPALATOOSSEOUS SYNDROME. Identifiers: Orphanet 669, Orphanet 90652, MedGen C1844696, MONDO:0010571, OMIM 304120.
Melnick-Needles syndrome (MNS). Also called: MELNICK-NEEDLES OSTEODYSPLASTY; OSTEODYSPLASTY OF MELNICK AND NEEDLES; Melnick-Needles Syndrome (FLNA-MNS). Identifiers: Orphanet 2484, MedGen C0025237, MONDO:0010650, OMIM 309350.
Frontometaphyseal dysplasia (FMD1). Identifiers: Orphanet 1826, MedGen C0265293, MONDO:0015942.

gnomAD v4.1: 12 of 1,210,715 alleles (0.00099%); highest among the groups gnomAD compares: East Asian, 0.0089%; no homozygotes.

Submissions (2):

Labcorp Genetics (formerly Invitae), Labcorp
Classification: Benign for Oto-palato-digital syndrome, type II; Heterotopia, periventricular, X-linked dominant; Frontometaphyseal dysplasia; Melnick-Needles syndrome. Last evaluated: 2023-08-08. Review status: criteria provided, single submitter. Criteria: Invitae Variant Classification Sherloc (09022015). Collection method: clinical testing. Allele origin: germline.

Centre of Medical Genetics, University of Antwerp
Classification: Uncertain significance for Heterotopia, periventricular, X-linked dominant. Last evaluated: 2021-03-01. Review status: criteria provided, single submitter. Criteria: ACMG Guidelines, 2015. Collection method: research. Allele origin: unknown. Affected: yes.
Comment: PM2